The following is an entry in ClinVar:

NM_001378609.3(OTOGL):c.1189C>T (p.Arg397Trp)

Gene: OTOGL (otogelin like; plus strand). Cytogenetic location: 12q21.31.
Variant type: single nucleotide variant.
Coding change: c.1189C>T on transcript NM_001378609.3 (MANE Select); coding-DNA position 1189, C replaced by T.
Protein change: p.Arg397Trp; replaces arginine 397 with tryptophan.
Molecular consequence: missense variant.
Genome position (GRCh38, 1-based): chr12:80,252,105, C>T. VCF-style: chr12-80252105-C-T. GRCh37 (hg19) VCF-style: chr12-80645885-C-T.
Other names: c.1162C>T (NM_173591.3); c.1189C>T, p.Arg397Trp (NM_001368062.3, NM_001378610.3, NM_173591.7); short protein forms R397W.
Identifiers: ClinVar variation 1502340 (VCV001502340.11), dbSNP rs201300161, ClinGen allele CA6700390.

ClinVar aggregate classification (germline): Uncertain significance. Review status: criteria provided, multiple submitters, no conflicts (2 of 4 stars). 3 submissions from 3 submitters: Uncertain significance (3). Last evaluated 2025-08-01.

Conditions:
Inborn genetic diseases. Identifiers: MedGen C0950123, MeSH D030342.

Allele frequency attached by ClinVar (database versions not stated): TOPMed 0.00005; gnomAD exomes 0.00006; gnomAD 0.00008; ESP Exome Variant Server 0.00017; ExAC 0.00019.
gnomAD v4.1: 67 of 1,555,476 alleles (0.0043%); highest among the groups gnomAD compares: Middle Eastern, 0.033%; no homozygotes.

Submissions (3):

Ambry Genetics
Classification: Uncertain significance for Inborn genetic diseases. Last evaluated: 2025-08-01. Review status: criteria provided, single submitter. Criteria: Ambry Variant Classification Scheme 2023. Collection method: clinical testing. Allele origin: germline.

GeneDx
Classification: Uncertain significance. Last evaluated: 2025-03-14. Review status: criteria provided, single submitter. Criteria: GeneDx Variant Classification Process June 2021. Collection method: clinical testing. Allele origin: germline. Affected: yes.
Comment: In silico analysis supports that this missense variant has a deleterious effect on protein structure/function; Has not been previously published as pathogenic or benign to our knowledge

Labcorp Genetics (formerly Invitae), Labcorp
Classification: Uncertain significance. Last evaluated: 2021-08-18. Review status: criteria provided, single submitter. Criteria: Invitae Variant Classification Sherloc (09022015). Collection method: clinical testing. Allele origin: germline.
Comment: In summary, the available evidence is currently insufficient to determine the role of this variant in disease. Therefore, it has been classified as a Variant of Uncertain Significance. Algorithms developed to predict the effect of missense changes on protein structure and function are either unavailable or do not agree on the potential impact of this missense change (SIFT: "Deleterious"; PolyPhen-2: "Probably Damaging"; Align-GVGD: "Class C0"). This variant has not been reported in the literature in individuals with OTOGL-related conditions. This variant is present in population databases (rs201300161, ExAC 0.05%). This sequence change replaces arginine with tryptophan at codon 388 of the OTOGL protein (p.Arg388Trp). The arginine residue is highly conserved and there is a moderate physicochemical difference between arginine and tryptophan.